The following is an entry in ClinVar:

NM_032634.4(PIGO):c.985del (p.Leu329fs)

Gene: PIGO (phosphatidylinositol glycan anchor biosynthesis class O; minus strand). Cytogenetic location: 9p13.3.
Variant type: Deletion.
Coding change: c.985del on transcript NM_032634.4 (MANE Select); coding-DNA position 985, one base deleted (C; older notation c.985delC).
Protein change: p.Leu329fs; shifts the reading frame from leucine 329.
Molecular consequence: frameshift variant.
Genome position (GRCh38, 1-based): chr9:35,093,164, G deleted on the plus strand (C on the coding strand, the reverse complement: PIGO is on the minus strand); the first of 3 consecutive G bases (chr9:35,093,164-35,093,166); deleting any one gives the same sequence. VCF-style (leftmost placement, unchanged base first): chr9-35093163-AG-A. GRCh37 (hg19) VCF-style: chr9-35093160-AG-A.
Other names: c.985del, p.Leu329fs (NM_001201484.2, NM_152850.4); short protein forms L329fs.
Identifiers: ClinVar variation 2815586 (VCV002815586.3), dbSNP rs2490461316, ClinGen allele CA2689843098.

ClinVar aggregate classification (germline): Pathogenic (1 of 4 stars; one submission).

Conditions:
Hyperphosphatasia with impaired intellectual development syndrome 2. Also called: GLYCOSYLPHOSPHATIDYLINOSITOL BIOSYNTHESIS DEFECT 6; Hyperphosphatasia with intellectual disability syndrome 2. Identifiers: Orphanet 247262, MedGen C3553637, MONDO:0013882, OMIM 614749.

Submission:

Labcorp Genetics (formerly Invitae), Labcorp
Classification: Pathogenic for Hyperphosphatasia with impaired intellectual development syndrome 2. Last evaluated: 2023-01-11. Review status: criteria provided, single submitter. Criteria: Invitae Variant Classification Sherloc (09022015). Collection method: clinical testing. Allele origin: germline.
Comment: For these reasons, this variant has been classified as Pathogenic. This variant has not been reported in the literature in individuals affected with PIGO-related conditions. This variant is not present in population databases (gnomAD no frequency). This sequence change creates a premature translational stop signal (p.Leu329Cysfs*15) in the PIGO gene. It is expected to result in an absent or disrupted protein product. Loss-of-function variants in PIGO are known to be pathogenic (PMID: 22683086, 24417746).

Literature cited by the submitters: PubMed 22683086; PubMed 24417746.